The following is an entry in ClinVar:

NM_001754.5(RUNX1):c.1259G>A (p.Gly420Asp)

Gene: RUNX1 (RUNX family transcription factor 1; minus strand). Cytogenetic location: 21q22.12.
Variant type: single nucleotide variant.
Coding change: c.1259G>A on transcript NM_001754.5 (MANE Select); coding-DNA position 1259, G replaced by A.
Protein change: p.Gly420Asp; replaces glycine 420 with aspartic acid.
Molecular consequence: missense variant.
Genome position (GRCh38, 1-based): chr21:34,792,319, C>T on the plus strand (G>A on the coding strand, the complement: RUNX1 is on the minus strand). VCF-style: chr21-34792319-C-T. GRCh37 (hg19) VCF-style: chr21-36164616-C-T.
Other names: NM_001754.5(RUNX1):c.1259G>A; p.Gly420Asp; c.1178G>A, p.Gly393Asp (NM_001001890.3); short protein forms G420D, G393D.
Identifiers: ClinVar variation 845679 (VCV000845679.12), dbSNP rs1442265949, ClinGen allele CA410147614.

ClinVar aggregate classification (germline): Uncertain significance. Review status: reviewed by expert panel (3 of 4 stars). 4 submissions from 4 submitters: Uncertain significance (1). 3 of the submissions do not count toward it. Last evaluated 2024-10-29.

Conditions:
RUNX1-related disorder. Also called: RUNX1-related condition.
Hereditary thrombocytopenia and hematologic cancer predisposition syndrome. Identifiers: Orphanet 71290, MedGen CN281654, MONDO:0011071.
Inborn genetic diseases. Identifiers: MedGen C0950123, MeSH D030342.
Hereditary thrombocytopenia and hematological cancer predisposition syndrome associated with RUNX1. Also called: PLATELET DISORDER, ASPIRIN-LIKE; Familial Platelet Disorder with Propensity to Acute Myelogenous Leukemia; Familial thrombocytopenia with propensity to acute myelogenous leukemia; RUNX1 Familial Platelet Disorder with Associated Myeloid Malignancies. Identifiers: Orphanet 71290, MedGen C1832388, MeSH C563324, MONDO:0100083, OMIM 601399.

Allele frequency attached by ClinVar (database versions not stated): gnomAD exomes below 0.00001; gnomAD 0.00001; TOPMed 0.00001.
gnomAD v4.1: 8 of 1,549,018 alleles (0.00052%); highest among the groups gnomAD compares: African/African-American, 0.0014%; no homozygotes.

Submissions (4):

ClinGen Myeloid Malignancy Variant Curation Expert Panel
Classification: Uncertain significance for Hereditary thrombocytopenia and hematologic cancer predisposition syndrome. Last evaluated: 2024-10-29. Review status: reviewed by expert panel. Criteria: ClinGen MyeloMalig ACMG Specifications v2. Collection method: curation. Allele origin: germline. Inheritance: Autosomal dominant inheritance.
Comment: NM_001754.5(RUNX1):c.1259G>A (p.Gly420Asp) is a missense variant. Multiple lines of computational evidence (REVEL: 0.238. Splice AI: Δ score 0.00) suggest no impact on gene /gene product. In summary, the clinical significance of this variant is uncertain due to insufficient evidence. ACMG/AMP criteria applied, as specified by the Myeloid Malignancy Variant Curation Expert Panel for RUNX1: BP4.

Labcorp Genetics (formerly Invitae), Labcorp
Classification: Uncertain significance for Hereditary thrombocytopenia and hematological cancer predisposition syndrome associated with RUNX1. Last evaluated: 2026-01-09. Review status: criteria provided, single submitter. Criteria: Invitae Variant Classification Sherloc (09022015). Collection method: clinical testing. Allele origin: germline. Not counted in ClinVar's aggregate classification.
Comment: This sequence change replaces glycine, which is neutral and non-polar, with aspartic acid, which is acidic and polar, at codon 420 of the RUNX1 protein (p.Gly420Asp). This variant is present in population databases (no rsID available, gnomAD 0.007%). This variant has not been reported in the literature in individuals affected with RUNX1-related conditions. ClinVar contains an entry for this variant (Variation ID: 845679). Invitae Evidence Modeling of protein sequence and biophysical properties (such as structural, functional, and spatial information, amino acid conservation, physicochemical variation, residue mobility, and thermodynamic stability) has been performed for this missense variant. However, the output from this modeling did not meet the statistical confidence thresholds required to predict the impact of this variant on RUNX1 protein function. In summary, the available evidence is currently insufficient to determine the role of this variant in disease. Therefore, it has been classified as a Variant of Uncertain Significance.

Ambry Genetics
Classification: Uncertain significance for Inborn genetic diseases. Last evaluated: 2025-05-05. Review status: criteria provided, single submitter. Criteria: Ambry Variant Classification Scheme 2023. Collection method: clinical testing. Allele origin: germline. Not counted in ClinVar's aggregate classification.
Comment: The p.G420D variant (also known as c.1259G>A), located in coding exon 8 of the RUNX1 gene, results from a G to A substitution at nucleotide position 1259. The glycine at codon 420 is replaced by aspartic acid, an amino acid with similar properties. This amino acid position is highly conserved in available vertebrate species. In addition, this alteration is predicted to be tolerated by in silico analysis. Based on the available evidence, the clinical significance of this variant remains unclear.

PreventionGenetics, part of Exact Sciences
Classification: Uncertain significance for RUNX1-related condition. Last evaluated: 2024-08-29. Review status: no assertion criteria provided. Collection method: clinical testing. Allele origin: germline. Not counted in ClinVar's aggregate classification.
Comment: The RUNX1 c.1259G>A variant is predicted to result in the amino acid substitution p.Gly420Asp. To our knowledge, this variant has not been reported in the literature. This variant is reported in 0.0066% of alleles in individuals of European (Non-Finnish) descent in gnomAD and is classified as a variant of uncertain significance in ClinVar. At this time, the clinical significance of this variant is uncertain due to the absence of conclusive functional and genetic evidence.